The following is an entry in ClinVar:

NM_002303.6(LEPR):c.3355A>G (p.Ser1119Gly)

Gene: LEPR (leptin receptor; plus strand). Cytogenetic location: 1p31.3.
Variant type: single nucleotide variant.
Coding change: c.3355A>G on transcript NM_002303.6 (MANE Select); coding-DNA position 3355, A replaced by G.
Protein change: p.Ser1119Gly; replaces serine 1119 with glycine.
Molecular consequence: missense variant.
Genome position (GRCh38, 1-based): chr1:65,636,872, A>G. VCF-style: chr1-65636872-A-G. GRCh37 (hg19) VCF-style: chr1-66102555-A-G.
Other names: short protein forms S1119G.
Identifiers: ClinVar variation 3353957 (VCV003353957.1).

ClinVar aggregate classification (germline): Uncertain significance (0 of 4 stars; one submission).

Conditions:
LEPR-related disorder. Also called: LEPR-related condition; LEPR-related disorders.

gnomAD v4.1: 18 of 1,608,780 alleles (0.0011%); highest among the groups gnomAD compares: Non-Finnish European, 0.0015%; no homozygotes.

Submission:

PreventionGenetics, part of Exact Sciences
Classification: Uncertain significance for LEPR-related condition. Last evaluated: 2023-11-07. Review status: no assertion criteria provided. Collection method: clinical testing. Allele origin: germline.
Comment: The LEPR c.3355A>G variant is predicted to result in the amino acid substitution p.Ser1119Gly. This variant has been reported in individuals with obesity (Table S1, Šket et al. 2022. PubMed ID: 35574020; Supplemental Data Set, Shah et al. 2023. PubMed ID: 36864747). In vitro functional studies showed function similar to wild-type levels (Supplemental Data Set, Shah et al. 2023. PubMed ID: 36864747). This variant has not been reported in a large population database, indicating it is rare. At this time, the clinical significance of this variant is uncertain due to insufficient functional and genetic evidence.